The following is an entry in ClinVar:

NM_138572.3(TAF8):c.86A>G (p.Tyr29Cys)

Gene: TAF8 (TATA-box binding protein associated factor 8; plus strand). Cytogenetic location: 6p21.1.
Variant type: single nucleotide variant.
Coding change: c.86A>G on transcript NM_138572.3 (MANE Select); coding-DNA position 86, A replaced by G.
Protein change: p.Tyr29Cys; replaces tyrosine 29 with cysteine.
Molecular consequence: missense variant.
Genome position (GRCh38, 1-based): chr6:42,051,397, A>G. VCF-style: chr6-42051397-A-G. GRCh37 (hg19) VCF-style: chr6-42019135-A-G.
Other names: c.86A>G, p.Tyr29Cys (NM_001410906.1, NM_001410907.1); short protein forms Y29C.
Identifiers: ClinVar variation 3965223 (VCV003965223.2).

ClinVar aggregate classification (germline): Uncertain significance (1 of 4 stars; one submission).

gnomAD v4.1: 11 of 1,614,052 alleles (0.00068%); highest among the groups gnomAD compares: African/African-American, 0.004%; no homozygotes.

Submission:

Ambry Genetics
Classification: Uncertain significance. Last evaluated: 2025-07-17. Review status: criteria provided, single submitter. Criteria: Ambry Variant Classification Scheme 2023. Collection method: clinical testing. Allele origin: germline.
Comment: The c.86A>G (p.Y29C) alteration is located in exon 2 (coding exon 2) of the TAF8 gene. This alteration results from an A to G substitution at nucleotide position 86, causing the tyrosine (Y) at amino acid position 29 to be replaced by a cysteine (C). Based on data from gnomAD, the G allele has an overall frequency of 0.001% (2/249554) total alleles studied. The highest observed frequency was 0.003% (1/30600) of South Asian alleles. This amino acid position is highly conserved in available vertebrate species. This alteration is predicted to be deleterious by in silico analysis. Based on insufficient or conflicting evidence, the clinical significance of this alteration remains unclear.